The following is an entry in ClinVar:

NM_004385.5(VCAN):c.3201G>A (p.Glu1067=)

Gene: VCAN (versican; plus strand). Cytogenetic location: 5q14.3.
Variant type: single nucleotide variant.
Coding change: c.3201G>A on transcript NM_004385.5 (MANE Select); coding-DNA position 3201, G replaced by A.
Protein change: p.Glu1067=; no amino-acid change (glutamic acid 1067 retained).
Molecular consequence: synonymous variant. On other transcripts: intron variant (2).
Genome position (GRCh38, 1-based): chr5:83,521,507, G>A. VCF-style: chr5-83521507-G-A. GRCh37 (hg19) VCF-style: chr5-82817326-G-A.
Other names: c.3201G>A, p.Glu1067= (NM_001164098.2); c.1042+9111G>A (NM_001164097.2, NM_001126336.3).
Identifiers: ClinVar variation 354415 (VCV000354415.15), dbSNP rs201157092, ClinGen allele CA3332976.

ClinVar aggregate classification (germline): Benign/Likely benign. Review status: criteria provided, multiple submitters, no conflicts (2 of 4 stars). 4 submissions from 4 submitters: Benign (2); Likely benign (2). Last evaluated 2026-01-26.

Conditions:
Vitreoretinopathy. Also called: Vitreoretinal degeneration. Identifiers: MedGen C0344290, MONDO:0020248, HP:0007773.

Allele frequency attached by ClinVar (database versions not stated): 1000 Genomes Project 0.00040; gnomAD 0.00043 and 0.00052; TOPMed 0.00047; ExAC 0.00061; 1000 Genomes Project 30x 0.00062; ESP Exome Variant Server 0.00062.
gnomAD v4.1: 748 of 1,614,092 alleles (0.046%); highest among the groups gnomAD compares: Middle Eastern, 0.2%; 2 homozygotes.

Submissions (4):

Labcorp Genetics (formerly Invitae), Labcorp
Classification: Benign. Last evaluated: 2026-01-26. Review status: criteria provided, single submitter. Criteria: Invitae Variant Classification Sherloc (09022015). Collection method: clinical testing. Allele origin: germline.

Blueprint Genetics
Classification: Likely benign. Last evaluated: 2024-11-08. Review status: criteria provided, single submitter. Criteria: ACMG Guidelines, 2015. Collection method: clinical testing. Allele origin: germline.

Illumina Laboratory Services, Illumina
Classification: Benign for Vitreoretinopathy. Last evaluated: 2018-01-13. Review status: criteria provided, single submitter. Criteria: ICSL Variant Classification Criteria 13 December 2019. Collection method: clinical testing. Allele origin: germline.
Comment: This variant was observed in the ICSL laboratory as part of a predisposition screen in an ostensibly healthy population. It had not been previously curated by ICSL or reported in the Human Gene Mutation Database (HGMD: prior to June 1st, 2018), and was therefore a candidate for classification through an automated scoring system. Utilizing variant allele frequency, disease prevalence and penetrance estimates, and inheritance mode, an automated score was calculated to assess if this variant is too frequent to cause the disease. Based on the score and internal cut-off values, a variant classified as benign is not then subjected to further curation. The score for this variant resulted in a classification of benign for this disease.

Breakthrough Genomics
Classification: Likely benign. Review status: criteria provided, single submitter. Criteria: ACMG Guidelines, 2015. Collection method: not provided. Allele origin: germline. Inheritance: Autosomal dominant inheritance. Affected: yes.